The following is an entry in ClinVar:

NM_001329943.3(KIAA0586):c.1886G>A (p.Gly629Glu)

Gene: KIAA0586 (KIAA0586; plus strand). Cytogenetic location: 14q23.1.
Variant type: single nucleotide variant.
Coding change: c.1886G>A on transcript NM_001329943.3 (MANE Select); coding-DNA position 1886, G replaced by A.
Protein change: p.Gly629Glu; replaces glycine 629 with glutamic acid.
Molecular consequence: missense variant.
Genome position (GRCh38, 1-based): chr14:58,460,987, G>A. VCF-style: chr14-58460987-G-A. GRCh37 (hg19) VCF-style: chr14-58927705-G-A.
Other names: c.2045G>A, p.Gly682Glu (NM_001244189.2); c.1841G>A, p.Gly614Glu (NM_001244190.2); c.1631G>A, p.Gly544Glu (NM_001244191.2, NM_001329945.2, NM_001364700.1 and 1 more transcripts); c.1754G>A, p.Gly585Glu (NM_001244192.2); c.1466G>A, p.Gly489Glu (NM_001244193.2); c.1886G>A, p.Gly629Glu (NM_001329944.2, NM_001329946.2, NM_001329947.2); c.1658G>A, p.Gly553Glu (NM_014749.5); short protein forms G489E, G585E, G553E, G682E, G614E, G544E, G629E.
Identifiers: ClinVar variation 945734 (VCV000945734.5), dbSNP rs940229482, ClinGen allele CA261627222.

ClinVar aggregate classification (germline): Uncertain significance (1 of 4 stars; one submission).

Conditions:
Joubert syndrome 23 (JBTS23). Identifiers: Orphanet 475, MedGen C4084822, MONDO:0014664, OMIM 616490.
Short-rib thoracic dysplasia 14 with polydactyly (SRTD14). Identifiers: Orphanet 397715, MedGen C4225286, MONDO:0014688, OMIM 616546.

Allele frequency attached by ClinVar (database versions not stated): gnomAD exomes 0.00001; TOPMed 0.00001.
gnomAD v4.1: 12 of 1,586,850 alleles (0.00076%); highest among the groups gnomAD compares: Non-Finnish European, 0.00086%; no homozygotes.

Submission:

Labcorp Genetics (formerly Invitae), Labcorp
Classification: Uncertain significance for Joubert syndrome 23; Short-rib thoracic dysplasia 14 with polydactyly. Last evaluated: 2022-10-05. Review status: criteria provided, single submitter. Criteria: Invitae Variant Classification Sherloc (09022015). Collection method: clinical testing. Allele origin: germline.
Comment: This sequence change replaces glycine, which is neutral and non-polar, with glutamic acid, which is acidic and polar, at codon 682 of the KIAA0586 protein (p.Gly682Glu). This variant is not present in population databases (gnomAD no frequency). This variant has not been reported in the literature in individuals affected with KIAA0586-related conditions. ClinVar contains an entry for this variant (Variation ID: 945734). Algorithms developed to predict the effect of missense changes on protein structure and function are either unavailable or do not agree on the potential impact of this missense change (SIFT: "Tolerated"; PolyPhen-2: "Probably Damaging"; Align-GVGD: "Class C0"). In summary, the available evidence is currently insufficient to determine the role of this variant in disease. Therefore, it has been classified as a Variant of Uncertain Significance.